The following is an entry in ClinVar:

NM_003384.3(VRK1):c.1099G>C (p.Glu367Gln)

Gene: VRK1 (VRK serine/threonine kinase 1; plus strand). Cytogenetic location: 14q32.2.
Variant type: single nucleotide variant.
Coding change: c.1099G>C on transcript NM_003384.3 (MANE Select); coding-DNA position 1099, G replaced by C.
Protein change: p.Glu367Gln; replaces glutamic acid 367 with glutamine.
Molecular consequence: missense variant.
Genome position (GRCh38, 1-based): chr14:96,876,060, G>C. VCF-style: chr14-96876060-G-C. GRCh37 (hg19) VCF-style: chr14-97342397-G-C.
Other names: short protein forms E367Q.
Identifiers: ClinVar variation 1024434 (VCV001024434.46), dbSNP rs145241983, ClinGen allele CA266092622.

ClinVar aggregate classification (germline): Uncertain significance. Review status: criteria provided, single submitter (1 of 4 stars). 2 submissions from 2 submitters: Uncertain significance (1). 1 of the submissions does not count toward it. Last evaluated 2021-09-01.

Conditions:
Pontocerebellar hypoplasia type 1A (PCH1A). Also called: PONTOCEREBELLAR HYPOPLASIA WITH ANTERIOR HORN CELL DISEASE; PONTOCEREBELLAR HYPOPLASIA WITH INFANTILE SPINAL MUSCULAR ATROPHY. Identifiers: Orphanet 2254, Orphanet 88616, MedGen C1843504, MONDO:0011866, OMIM 607596.

Allele frequency attached by ClinVar (database versions not stated): gnomAD 0.00001; gnomAD exomes 0.00001; TOPMed 0.00001; ESP Exome Variant Server 0.00008.
gnomAD v4.1: 8 of 1,613,466 alleles (0.0005%); highest among the groups gnomAD compares: Non-Finnish European, 0.00068%; no homozygotes.

Submissions (2):

Labcorp Genetics (formerly Invitae), Labcorp
Classification: Uncertain significance for Pontocerebellar hypoplasia type 1A. Last evaluated: 2021-09-01. Review status: criteria provided, single submitter. Criteria: Invitae Variant Classification Sherloc (09022015). Collection method: clinical testing. Allele origin: germline.
Comment: This sequence change replaces glutamic acid with glutamine at codon 367 of the VRK1 protein (p.Glu367Gln). The glutamic acid residue is weakly conserved and there is a small physicochemical difference between glutamic acid and glutamine. This variant is not present in population databases (ExAC no frequency). This variant has not been reported in the literature in individuals affected with VRK1-related conditions. Algorithms developed to predict the effect of missense changes on protein structure and function output the following: SIFT: "Tolerated"; PolyPhen-2: "Benign"; Align-GVGD: "Class C0". The glutamine amino acid residue is found in multiple mammalian species, which suggests that this missense change does not adversely affect protein function. In summary, the available evidence is currently insufficient to determine the role of this variant in disease. Therefore, it has been classified as a Variant of Uncertain Significance.

Natera, Inc.
Classification: Uncertain significance for Pontocerebellar hypoplasia, type 1a. Last evaluated: 2021-05-17. Review status: no assertion criteria provided. Collection method: clinical testing. Allele origin: germline. Not counted in ClinVar's aggregate classification.